The following is an entry in ClinVar:

NM_014991.6(WDFY3):c.3761C>G (p.Ala1254Gly)

Gene: WDFY3 (WD repeat and FYVE domain containing 3; minus strand). Cytogenetic location: 4q21.23.
Variant type: single nucleotide variant.
Coding change: c.3761C>G on transcript NM_014991.6 (MANE Select); coding-DNA position 3761, C replaced by G.
Protein change: p.Ala1254Gly; replaces alanine 1254 with glycine.
Molecular consequence: missense variant.
Genome position (GRCh38, 1-based): chr4:84,787,622, G>C on the plus strand (C>G on the coding strand, the complement: WDFY3 is on the minus strand). VCF-style: chr4-84787622-G-C. GRCh37 (hg19) VCF-style: chr4-85708775-G-C.
Other names: short protein forms A1254G.
Identifiers: ClinVar variation 1800861 (VCV001800861.1), dbSNP rs2533528725, ClinGen allele CA357556152.

ClinVar aggregate classification (germline): Uncertain significance (1 of 4 stars; one submission).

Submission:

GeneDx
Classification: Uncertain significance. Last evaluated: 2022-05-24. Review status: criteria provided, single submitter. Criteria: GeneDx Variant Classification Process June 2021. Collection method: clinical testing. Allele origin: germline. Affected: yes.
Comment: Not observed at significant frequency in large population cohorts (gnomAD); In silico analysis supports that this missense variant has a deleterious effect on protein structure/function; Has not been previously published as pathogenic or benign to our knowledge